The following is an entry in ClinVar:

ClinVar aggregate classification (germline): Uncertain significance (1 of 4 stars; one submission).

Conditions:
PMP22-related disorder. Also called: PMP22-related disorders; PMP22-related condition.

gnomAD v4.1: 1 of 1,553,780 alleles (0.000064%); highest among the groups gnomAD compares: Admixed American, 0.002%; no homozygotes.

Submission:

PreventionGenetics, part of Exact Sciences
Classification: Uncertain significance for PMP22-related condition. Last evaluated: 2026-07-11. Review status: criteria provided, single submitter. Criteria: ACMG Guidelines, 2015. Collection method: clinical testing. Allele origin: germline.
Comment: The PMP22 c.31C>G variant is predicted to result in the amino acid substitution p.Leu11Val. To our knowledge, this variant has not been reported in the literature. This variant is reported in 0.0040% of alleles in individuals of Latino descent in gnomAD. At this time, the clinical significance of this variant is uncertain due to the absence of conclusive functional and genetic evidence.

NM_000304.4(PMP22):c.31C>G (p.Leu11Val)

Gene: PMP22 (peripheral myelin protein 22; minus strand). Cytogenetic location: 17p12.
Variant type: single nucleotide variant.
Coding change: c.31C>G on transcript NM_000304.4 (MANE Select); coding-DNA position 31, C replaced by G.
Protein change: p.Leu11Val; replaces leucine 11 with valine.
Molecular consequence: missense variant.
Genome position (GRCh38, 1-based): chr17:15,260,697, G>C on the plus strand (C>G on the coding strand, the complement: PMP22 is on the minus strand). VCF-style: chr17-15260697-G-C. GRCh37 (hg19) VCF-style: chr17-15164014-G-C.
Other names: c.31C>G, p.Leu11Val (NM_001281455.2, NM_001281456.2, NM_001330143.2 and 2 more transcripts); short protein forms L11V.
Identifiers: ClinVar variation 4989587 (VCV004989587.1).